The following is an entry in ClinVar:

ClinVar aggregate classification (germline): Uncertain significance. Review status: criteria provided, multiple submitters, no conflicts (2 of 4 stars). 2 submissions from 2 submitters: Uncertain significance (2). Last evaluated 2025-02-22.

Conditions:
Inborn genetic diseases. Identifiers: MedGen C0950123, MeSH D030342.

Allele frequency attached by ClinVar (database versions not stated): gnomAD exomes below 0.00001; gnomAD 0.00001.
gnomAD v4.1: 2 of 1,613,832 alleles (0.00012%); highest among the groups gnomAD compares: Admixed American, 0.0017%; no homozygotes.

Submissions (2):

Ambry Genetics
Classification: Uncertain significance for Inborn genetic diseases. Last evaluated: 2025-02-22. Review status: criteria provided, single submitter. Criteria: Ambry Variant Classification Scheme 2023. Collection method: clinical testing. Allele origin: germline.

Women's Health and Genetics/Laboratory Corporation of America, LabCorp
Classification: Uncertain significance. Last evaluated: 2019-10-14. Review status: criteria provided, single submitter. Criteria: LabCorp Variant Classification Summary - May 2015. Collection method: clinical testing. Allele origin: germline.
Comment: Variant summary: TNFRSF13B c.11T>C (p.Leu4Pro) results in a non-conservative amino acid change in the encoded protein sequence. Five of five in-silico tools predict a damaging effect of the variant on protein function. The variant was absent in 251264 control chromosomes (gnomAD). The available data on variant occurrences in the general population are insufficient to allow any conclusion about variant significance. To our knowledge, no occurrence of c.11T>C in individuals affected with Common Variable Immunodeficiency and no experimental evidence demonstrating its impact on protein function have been reported. No clinical diagnostic laboratories have submitted clinical-significance assessments for this variant to ClinVar after 2014. Based on the evidence outlined above, the variant was classified as uncertain significance.

NM_012452.3(TNFRSF13B):c.11T>C (p.Leu4Pro)

Gene: TNFRSF13B (TNF receptor superfamily member 13B; minus strand). Cytogenetic location: 17p11.2.
Variant type: single nucleotide variant.
Coding change: c.11T>C on transcript NM_012452.3 (MANE Select); coding-DNA position 11, T replaced by C.
Protein change: p.Leu4Pro; replaces leucine 4 with proline.
Molecular consequence: missense variant.
Genome position (GRCh38, 1-based): chr17:16,972,065, A>G on the plus strand (T>C on the coding strand, the complement: TNFRSF13B is on the minus strand). VCF-style: chr17-16972065-A-G. GRCh37 (hg19) VCF-style: chr17-16875379-A-G.
Other names: short protein forms L4P.
Identifiers: ClinVar variation 929027 (VCV000929027.2), dbSNP rs2087749301, ClinGen allele CA398520674.